The following is an entry in ClinVar:

ClinVar aggregate classification (germline): Likely pathogenic. Review status: criteria provided, multiple submitters, no conflicts (2 of 4 stars). 3 submissions from 3 submitters: Likely pathogenic (3). Last evaluated 2025-02-03.

Conditions:
Mucopolysaccharidosis, MPS-III-A (MPS3A). Also called: HEPARAN SULFATE SULFATASE DEFICIENCY; SANFILIPPO SYNDROME A; SULFAMIDASE DEFICIENCY; MPS III A; Mucopolysaccharidosis, type IIIA; mucopolysaccharidosis type 3A. Identifiers: Orphanet 581, Orphanet 79269, MedGen C0086647, MONDO:0009655, OMIM 252900.

Submissions (3):

Natera, Inc.
Classification: Likely pathogenic for Mucopolysaccharidosis type IIIA. Last evaluated: 2025-02-03. Review status: criteria provided, single submitter. Criteria: Natera Variant Classification Schema (03/2026). Collection method: clinical testing. Allele origin: germline.
Comment: The c.453del variant in SGSH is a frameshift variant predicted to shift the reading frame beginning at codon 151 and leads to a stop codon 113 codons downstream. This variant is expected to result in nonsense mediated decay, truncation, or a dysfunctional protein product. This variant is rare in the general population with a frequency below the threshold expected for the associated phenotype(s). Given the available evidence, this variant is classified as Likely Pathogenic.

Fulgent Genetics
Classification: Likely pathogenic for Mucopolysaccharidosis, MPS-III-A. Last evaluated: 2024-04-11. Review status: criteria provided, single submitter. Criteria: ACMG Guidelines, 2015. Collection method: clinical testing. Allele origin: germline.

Baylor Genetics
Classification: Likely pathogenic for Mucopolysaccharidosis, MPS-III-A. Last evaluated: 2024-02-28. Review status: criteria provided, single submitter. Criteria: ACMG Guidelines, 2015. Collection method: clinical testing. Allele origin: unknown.

NM_000199.5(SGSH):c.453del (p.Asn151fs)

Gene: SGSH (N-sulfoglucosamine sulfohydrolase; minus strand). Cytogenetic location: 17q25.3.
Variant type: Deletion.
Coding change: c.453del on transcript NM_000199.5 (MANE Select); coding-DNA position 453, one base deleted (C; older notation c.453delC).
Protein change: p.Asn151fs; shifts the reading frame from asparagine 151.
Molecular consequence: frameshift variant. On other transcripts: non-coding transcript variant (1).
Genome position (GRCh38, 1-based): chr17:80,214,668, G deleted on the plus strand (C on the coding strand, the reverse complement: SGSH is on the minus strand). VCF-style (leftmost placement, unchanged base first): chr17-80214667-TG-T. GRCh37 (hg19) VCF-style: chr17-78188466-TG-T.
Other names: c.453del, p.Asn151fs (NM_001352921.3, NM_001352922.2); c.453del (NM_000199.4); short protein forms N151fs.
Identifiers: ClinVar variation 3240454 (VCV003240454.4), dbSNP rs2510893832.